The following is an entry in ClinVar:

NM_000552.5(VWF):c.4174C>T (p.Arg1392Trp)

Gene: VWF (von Willebrand factor; minus strand). Cytogenetic location: 12p13.31.
Variant type: single nucleotide variant.
Coding change: c.4174C>T on transcript NM_000552.5 (MANE Select); coding-DNA position 4174, C replaced by T.
Protein change: p.Arg1392Trp; replaces arginine 1392 with tryptophan.
Molecular consequence: missense variant.
Genome position (GRCh38, 1-based): chr12:6,019,244, G>A on the plus strand (C>T on the coding strand, the complement: VWF is on the minus strand). VCF-style: chr12-6019244-G-A. GRCh37 (hg19) VCF-style: chr12-6128410-G-A.
Other names: c.4174C>T (NM_000552.3); short protein forms R1392W.
Identifiers: ClinVar variation 3766961 (VCV003766961.2).

ClinVar aggregate classification (germline): Uncertain significance. Review status: criteria provided, multiple submitters, no conflicts (2 of 4 stars). 2 submissions from 2 submitters: Uncertain significance (2). Last evaluated 2025-04-11.

Conditions:
Inborn genetic diseases. Identifiers: MedGen C0950123, MeSH D030342.

gnomAD v4.1: 13 of 1,613,904 alleles (0.00081%); highest among the groups gnomAD compares: African/African-American, 0.004%; no homozygotes.

Submissions (2):

Ambry Genetics
Classification: Uncertain significance for Inborn genetic diseases. Last evaluated: 2025-04-11. Review status: criteria provided, single submitter. Criteria: Ambry Variant Classification Scheme 2023. Collection method: clinical testing. Allele origin: germline.

ARUP Laboratories, Molecular Genetics and Genomics, ARUP Laboratories
Classification: Uncertain significance. Last evaluated: 2024-11-06. Review status: criteria provided, single submitter. Criteria: ARUP Molecular Germline Variant Investigation Process 2024. Collection method: clinical testing. Allele origin: germline.
Comment: The VWF c.4174C>T; p.Arg1392Trp variant (rs555891676), to our knowledge, is not reported in the medical literature or gene specific databases. This variant is only observed on three alleles in the Genome Aggregation Database (v2.1.1), indicating it is not a common polymorphism. Computational analyses are uncertain whether this variant is neutral or deleterious (REVEL: 0.462). Due to limited information, the clinical significance of this variant is uncertain at this time.